The following is an entry in ClinVar:

NM_001844.5(COL2A1):c.3637C>T (p.Pro1213Ser)

Gene: COL2A1 (collagen type II alpha 1 chain; minus strand). Cytogenetic location: 12q13.11.
Variant type: single nucleotide variant.
Coding change: c.3637C>T on transcript NM_001844.5 (MANE Select); coding-DNA position 3637, C replaced by T.
Protein change: p.Pro1213Ser; replaces proline 1213 with serine.
Molecular consequence: missense variant.
Genome position (GRCh38, 1-based): chr12:47,975,566, G>A on the plus strand (C>T on the coding strand, the complement: COL2A1 is on the minus strand). VCF-style: chr12-47975566-G-A. GRCh37 (hg19) VCF-style: chr12-48369349-G-A.
Other names: c.3637C>T (NM_001844.4); c.3430C>T, p.Pro1144Ser (NM_033150.3); short protein forms P1213S, P1144S.
Identifiers: ClinVar variation 1352837 (VCV001352837.11), dbSNP rs886626700, ClinGen allele CA236517361.
Genomic context (GRCh38, chr12:47,975,566, plus strand): 5'-GGCCCTTCTCTCTCGGGCCTAAGCCAGCAAAGGCGGACATGTCGATGCCAGGGCCAGGGG[G>A]ACCTGGAGGACCAGGGGGTCCAGGATTTCCAGGAGGACCCTGCAGCAGGAAACAGAGAGA-3'
Protein context (NP_001835.3, residues 1203-1223): GNPGPPGPPG[Pro1213Ser]PGPGIDMSAF

ClinVar aggregate classification (germline): Conflicting classifications of pathogenicity. Review status: criteria provided, conflicting classifications (1 of 4 stars). 4 submissions from 4 submitters: Uncertain significance (2); Likely benign (1). 1 of the submissions does not count toward it. Last evaluated 2025-12-21.

Conditions:
COL2A1-related disorder. Also called: COL2A1-related condition; COL2A1-related disorders.
Inborn genetic diseases. Identifiers: MedGen C0950123, MeSH D030342.

Allele frequency attached by ClinVar (database versions not stated): gnomAD exomes 0.00001 and 0.00002; TOPMed 0.00001.
gnomAD v4.1: 8 of 1,602,272 alleles (0.0005%); highest among the groups gnomAD compares: Admixed American, 0.013%; no homozygotes.

Submissions (4):

Labcorp Genetics (formerly Invitae), Labcorp
Classification: Likely benign. Last evaluated: 2025-12-21. Review status: criteria provided, single submitter. Criteria: Invitae Variant Classification Sherloc (09022015). Collection method: clinical testing. Allele origin: germline.

GeneDx
Classification: Uncertain significance. Last evaluated: 2025-11-25. Review status: criteria provided, single submitter. Criteria: GeneDx Variant Classification Process June 2021. Collection method: clinical testing. Allele origin: germline. Affected: yes.
Comment: In silico analysis supports that this missense variant has a deleterious effect on protein structure/function; Occurs in the triple helical domain at the X position in the canonical Gly-X-Y repeat; although this variant may have an effect on normal protein folding and function, missense substitution at the X position is not a common mechanism of disease (HGMD); Has not been previously published as pathogenic or benign to our knowledge

Ambry Genetics
Classification: Uncertain significance for Inborn genetic diseases. Last evaluated: 2024-12-02. Review status: criteria provided, single submitter. Criteria: Ambry Variant Classification Scheme 2023. Collection method: clinical testing. Allele origin: germline.

PreventionGenetics, part of Exact Sciences
Classification: Uncertain significance for COL2A1-related condition. Last evaluated: 2024-01-05. Review status: no assertion criteria provided. Collection method: clinical testing. Allele origin: germline. Not counted in ClinVar's aggregate classification.
Comment: The COL2A1 c.3637C>T variant is predicted to result in the amino acid substitution p.Pro1213Ser. To our knowledge, this variant has not been reported in the literature. This variant is reported in 0.015% of alleles in individuals of Latino descent in gnomAD. Although we suspect that this variant may be benign, at this time, the clinical significance of this variant is uncertain due to the absence of conclusive functional and genetic evidence.